The following is an entry in ClinVar:

ClinVar aggregate classification (germline): Conflicting classifications of pathogenicity. Review status: criteria provided, conflicting classifications (1 of 4 stars). 5 submissions from 5 submitters: Uncertain significance (3); Benign (1). 1 of the submissions does not count toward it. Last evaluated 2026-09-01.

Conditions:
Hypercalcemia, infantile, 2 (HCINF2). Identifiers: Orphanet 300547, MedGen C4310473, MONDO:0014851, OMIM 616963.
Fanconi renotubular syndrome 2 (FRTS2). Identifiers: MedGen C3150652, MONDO:0013247, OMIM 613388.
Hypophosphatemic nephrolithiasis/osteoporosis 1. Identifiers: Orphanet 244305, MedGen C2676786, MONDO:0012850, OMIM 612286.
SLC34A1-related disorder. Also called: SLC34A1-related condition; SLC34A1-related disorders.

Allele frequency attached by ClinVar (database versions not stated): TOPMed 0.00005; gnomAD 0.00006; ESP Exome Variant Server 0.00008; gnomAD exomes 0.00009; ExAC 0.00011.

Submissions (5):

PreventionGenetics, part of Exact Sciences
Classification: Uncertain significance for SLC34A1-related condition. Last evaluated: 2026-09-01. Review status: criteria provided, single submitter. Criteria: ACMG Guidelines, 2015. Collection method: clinical testing. Allele origin: germline.
Comment: The SLC34A1 c.604G>A variant is predicted to result in the amino acid substitution p.Val202Met. To our knowledge, this variant has not been reported in the literature. This variant is reported in 0.018% of alleles in individuals of European (Non-Finnish) descent in gnomAD. At this time, the clinical significance of this variant is uncertain due to the absence of conclusive functional and genetic evidence.

Fulgent Genetics
Classification: Uncertain significance for Hypophosphatemic nephrolithiasis/osteoporosis 1; Fanconi renotubular syndrome 2; Hypercalcemia, infantile, 2. Last evaluated: 2024-01-05. Review status: criteria provided, single submitter. Criteria: ACMG Guidelines, 2015. Collection method: clinical testing. Allele origin: germline.

Labcorp Genetics (formerly Invitae), Labcorp
Classification: Uncertain significance. Last evaluated: 2022-10-18. Review status: criteria provided, single submitter. Criteria: Invitae Variant Classification Sherloc (09022015). Collection method: clinical testing. Allele origin: germline.
Comment: This sequence change replaces valine, which is neutral and non-polar, with methionine, which is neutral and non-polar, at codon 202 of the SLC34A1 protein (p.Val202Met). This variant is present in population databases (rs146919762, gnomAD 0.02%). This variant has not been reported in the literature in individuals affected with SLC34A1-related conditions. ClinVar contains an entry for this variant (Variation ID: 438690). Advanced modeling of protein sequence and biophysical properties (such as structural, functional, and spatial information, amino acid conservation, physicochemical variation, residue mobility, and thermodynamic stability) performed at Invitae indicates that this missense variant is expected to disrupt SLC34A1 protein function. In summary, the available evidence is currently insufficient to determine the role of this variant in disease. Therefore, it has been classified as a Variant of Uncertain Significance.

Illumina Laboratory Services, Illumina
Classification: Benign for Hypophosphatemic nephrolithiasis/osteoporosis 1. Last evaluated: 2018-01-12. Review status: criteria provided, single submitter. Criteria: ICSL Variant Classification Criteria 13 December 2019. Collection method: clinical testing. Allele origin: germline.
Comment: This variant was observed in the ICSL laboratory as part of a predisposition screen in an ostensibly healthy population. It had not been previously curated by ICSL or reported in the Human Gene Mutation Database (HGMD: prior to June 1st, 2018), and was therefore a candidate for classification through an automated scoring system. Utilizing variant allele frequency, disease prevalence and penetrance estimates, and inheritance mode, an automated score was calculated to assess if this variant is too frequent to cause the disease. Based on the score and internal cut-off values, a variant classified as benign is not then subjected to further curation. The score for this variant resulted in a classification of benign for this disease.

Bioscientia Institut fuer Medizinische Diagnostik GmbH, Sonic Healthcare
Classification: Likely pathogenic for Hypercalcemia, infantile, 2. Last evaluated: 2017-04-20. Review status: no assertion criteria provided. Collection method: clinical testing. Allele origin: germline. Affected: yes. Not counted in ClinVar's aggregate classification.

NM_003052.5(SLC34A1):c.604G>A (p.Val202Met)

Gene: SLC34A1 (solute carrier family 34 member 1; plus strand). Cytogenetic location: 5q35.3.
Variant type: single nucleotide variant.
Coding change: c.604G>A on transcript NM_003052.5 (MANE Select); coding-DNA position 604, G replaced by A.
Protein change: p.Val202Met; replaces valine 202 with methionine.
Molecular consequence: missense variant.
Genome position (GRCh38, 1-based): chr5:177,387,833, G>A. VCF-style: chr5-177387833-G-A. GRCh37 (hg19) VCF-style: chr5-176814834-G-A.
Other names: c.604G>A, p.Val202Met (NM_001167579.2); short protein forms V202M.
Identifiers: ClinVar variation 438690 (VCV000438690.8), dbSNP rs146919762, ClinGen allele CA3580448.
Genomic context (GRCh38, chr5:177,387,833, plus strand): 5'-AGCTCTGCCATCCCCATCATCATGGGCTCCAACATCGGCACCTCTGTCACCAACACCATC[G>A]TGGCCCTGATGCAGGCGGGGGACAGGACTGACTTCCGGCGGTGAGGGGGGCTGGGGGTTG-3'
Protein context (NP_003043.3, residues 192-212): NIGTSVTNTI[Val202Met]ALMQAGDRTD